The following is an entry in ClinVar:

NM_000064.4(C3):c.4263G>A (p.Leu1421=)

Gene: C3 (complement C3; minus strand). Cytogenetic location: 19p13.3.
Variant type: single nucleotide variant.
Coding change: c.4263G>A on transcript NM_000064.4 (MANE Select); coding-DNA position 4263, G replaced by A.
Protein change: p.Leu1421=; no amino-acid change (leucine 1421 retained).
Molecular consequence: synonymous variant.
Genome position (GRCh38, 1-based): chr19:6,682,028, C>T on the plus strand (G>A on the coding strand, the complement: C3 is on the minus strand). VCF-style: chr19-6682028-C-T. GRCh37 (hg19) VCF-style: chr19-6682039-C-T.
Identifiers: ClinVar variation 2909254 (VCV002909254.3), dbSNP rs752000215, ClinGen allele CA9128448.

ClinVar aggregate classification (germline): Uncertain significance (1 of 4 stars; one submission).

Allele frequency attached by ClinVar (database versions not stated): ExAC 0.00001; gnomAD 0.00001; gnomAD exomes 0.00001; TOPMed 0.00001.
gnomAD v4.1: 10 of 1,613,908 alleles (0.00062%); highest among the groups gnomAD compares: African/African-American, 0.0013%; no homozygotes.

Submission:

Labcorp Genetics (formerly Invitae), Labcorp
Classification: Uncertain significance. Last evaluated: 2023-08-31. Review status: criteria provided, single submitter. Criteria: Invitae Variant Classification Sherloc (09022015). Collection method: clinical testing. Allele origin: germline.
Comment: In summary, the available evidence is currently insufficient to determine the role of this variant in disease. Therefore, it has been classified as a Variant of Uncertain Significance. Algorithms developed to predict the effect of sequence changes on RNA splicing suggest that this variant may create or strengthen a splice site. This variant has not been reported in the literature in individuals affected with C3-related conditions. This variant is present in population databases (rs752000215, gnomAD 0.003%). This sequence change affects codon 1421 of the C3 mRNA. It is a 'silent' change, meaning that it does not change the encoded amino acid sequence of the C3 protein.